The following is an entry in ClinVar:

NM_001037132.4(NRCAM):c.2557C>T (p.Arg853Cys)

Gene: NRCAM (neuronal cell adhesion molecule; minus strand). Cytogenetic location: 7q31.1.
Variant type: single nucleotide variant.
Coding change: c.2557C>T on transcript NM_001037132.4 (MANE Select); coding-DNA position 2557, C replaced by T.
Protein change: p.Arg853Cys; replaces arginine 853 with cysteine.
Molecular consequence: missense variant. On other transcripts: non-coding transcript variant (5).
Genome position (GRCh38, 1-based): chr7:108,181,911, G>A on the plus strand (C>T on the coding strand, the complement: NRCAM is on the minus strand). VCF-style: chr7-108181911-G-A. GRCh37 (hg19) VCF-style: chr7-107822355-G-A.
Other names: c.2557C>T, p.Arg853Cys (NM_001193582.2, NM_001371123.1, NM_001371128.1 and 10 more transcripts); c.2500C>T, p.Arg834Cys (NM_001193583.2, NM_001193584.2, NM_001371119.1 and 22 more transcripts); c.2212C>T, p.Arg738Cys (NM_001371125.1, NM_001371142.1, NM_001371143.1 and 2 more transcripts); c.2554C>T, p.Arg852Cys (NM_001371127.1); c.2509C>T, p.Arg837Cys (NM_001371130.1, NM_001371133.1, NM_001371136.1 and 8 more transcripts); c.2506C>T, p.Arg836Cys (NM_001371134.1); c.1600C>T, p.Arg534Cys (NM_001371137.1); c.2239C>T, p.Arg747Cys (NM_001371148.1, NM_001371170.1, NM_001371179.1 and 1 more transcripts); and 3 more; short protein forms R534C, R738C, R747C, R818C, R834C, R836C, R837C, R843C.
Identifiers: ClinVar variation 1329987 (VCV001329987.3), dbSNP rs150373689, ClinGen allele CA4438560.

ClinVar aggregate classification (germline): Uncertain significance. Review status: criteria provided, single submitter (1 of 4 stars). 2 submissions from 2 submitters: Uncertain significance (1). 1 of the submissions does not count toward it. Last evaluated 2023-02-27.

Conditions:
Inborn genetic diseases. Identifiers: MedGen C0950123, MeSH D030342.
NRCAM-related disorder.

Allele frequency attached by ClinVar (database versions not stated): 1000 Genomes Project 30x 0.00016; 1000 Genomes Project 0.00020; ExAC 0.00022; gnomAD exomes 0.00022; gnomAD 0.00031; TOPMed 0.00032; ESP Exome Variant Server 0.00038.

Submissions (2):

Ambry Genetics
Classification: Uncertain significance for Inborn genetic diseases. Last evaluated: 2023-02-27. Review status: criteria provided, single submitter. Criteria: Ambry Variant Classification Scheme 2023. Collection method: clinical testing. Allele origin: germline.
Comment: The c.2557C>T (p.R853C) alteration is located in exon 21 (coding exon 21) of the NRCAM gene. This alteration results from a C to T substitution at nucleotide position 2557, causing the arginine (R) at amino acid position 853 to be replaced by a cysteine (C). Based on data from gnomAD, the T allele has an overall frequency of 0.023% (66/282608) total alleles studied. The highest observed frequency was 0.096% (10/10364) of Ashkenazi Jewish alleles. This variant has been reported to be compound heterozygous with c.2705A>C (p.Lys902Thr) in an individual with global developmental delay, behavioral issues, hypotonia, and ataxia (Kurolap, 2022). This amino acid position is poorly conserved in available vertebrate species. This alteration is predicted to be tolerated by in silico analysis. Based on insufficient or conflicting evidence, the clinical significance of this alteration remains unclear.

Genetics Institute, Tel Aviv Sourasky Medical Center
Classification: Pathogenic for NRCAM-related disorder. Last evaluated: 2021-12-28. Review status: no assertion criteria provided. Collection method: research. Allele origin: inherited. Affected: yes. Not counted in ClinVar's aggregate classification.

Literature cited by the submitters: PubMed 35108495 (cited by Ambry Genetics and Genetics Institute, Tel Aviv Sourasky Medical Center).